The following is an entry in ClinVar:

NM_023110.3(FGFR1):c.1289C>T (p.Ser430Phe)

Gene: FGFR1 (fibroblast growth factor receptor 1; minus strand). Cytogenetic location: 8p11.23.
Variant type: single nucleotide variant.
Coding change: c.1289C>T on transcript NM_023110.3 (MANE Select); coding-DNA position 1289, C replaced by T.
Protein change: p.Ser430Phe; replaces serine 430 with phenylalanine.
Molecular consequence: missense variant.
Genome position (GRCh38, 1-based): chr8:38,418,369, G>A on the plus strand (C>T on the coding strand, the complement: FGFR1 is on the minus strand). VCF-style: chr8-38418369-G-A. GRCh37 (hg19) VCF-style: chr8-38275887-G-A.
Other names: c.1289C>T, p.Ser430Phe (NM_000604.2); c.1283C>T, p.Ser428Phe (NM_001174063.2, NM_001174065.2, NM_001354367.2 and 1 more transcripts); c.1259C>T, p.Ser420Phe (NM_001174064.2); c.1022C>T, p.Ser341Phe (NM_001174066.2, NM_023105.3); c.1382C>T, p.Ser461Phe (NM_001174067.2); c.1010C>T, p.Ser337Phe (NM_001354368.2); c.1277C>T, p.Ser426Phe (NM_001354369.2, NM_001410922.1); c.1016C>T, p.Ser339Phe (NM_001354370.2, NM_023106.3); short protein forms S428F, S430F, S337F, S339F, S420F, S341F, S426F, S461F.
Identifiers: ClinVar variation 2132900 (VCV002132900.4), dbSNP rs2150679740, ClinGen allele CA370733443.

ClinVar aggregate classification (germline): Uncertain significance (1 of 4 stars; one submission).

Conditions:
Hypogonadotropic hypogonadism 2 with or without anosmia (HH2). Also called: HYPOGONADOTROPIC HYPOGONADISM 2 WITH OR WITHOUT ANOSMIA, SUSCEPTIBILITY TO; HYPOGONADOTROPIC HYPOGONADISM 2 WITHOUT ANOSMIA, SUSCEPTIBILITY TO; FGFR1-Related GnRH Deficiency (Kallmann Syndrome 2); HYPOGONADOTROPIC HYPOGONADISM 2 WITHOUT ANOSMIA. Identifiers: Orphanet 478, MedGen C1563720, MONDO:0007844, OMIM 147950. Disease mechanism: loss of function.
Pfeiffer syndrome (ACS5). Also called: ACS V. Identifiers: Orphanet 710, MedGen C0220658, MONDO:0007043, OMIM 101600.

Allele frequency attached by ClinVar (database versions not stated): gnomAD exomes below 0.00001.

Submission:

Labcorp Genetics (formerly Invitae), Labcorp
Classification: Uncertain significance for Pfeiffer syndrome; Hypogonadotropic hypogonadism 2 with or without anosmia. Last evaluated: 2022-10-17. Review status: criteria provided, single submitter. Criteria: Invitae Variant Classification Sherloc (09022015). Collection method: clinical testing. Allele origin: germline.
Comment: This sequence change replaces serine, which is neutral and polar, with phenylalanine, which is neutral and non-polar, at codon 430 of the FGFR1 protein (p.Ser430Phe). This variant is not present in population databases (gnomAD no frequency). This variant has not been reported in the literature in individuals affected with FGFR1-related conditions. Advanced modeling of protein sequence and biophysical properties (such as structural, functional, and spatial information, amino acid conservation, physicochemical variation, residue mobility, and thermodynamic stability) has been performed at Invitae for this missense variant, however the output from this modeling did not meet the statistical confidence thresholds required to predict the impact of this variant on FGFR1 protein function. In summary, the available evidence is currently insufficient to determine the role of this variant in disease. Therefore, it has been classified as a Variant of Uncertain Significance.